The following is an entry in ClinVar:

NM_001199138.2(NLRC4):c.2728G>A (p.Val910Ile)

Gene: NLRC4 (NLR family CARD domain containing 4; minus strand). Cytogenetic location: 2p22.3.
Variant type: single nucleotide variant.
Coding change: c.2728G>A on transcript NM_001199138.2 (MANE Select); coding-DNA position 2728, G replaced by A.
Protein change: p.Val910Ile; replaces valine 910 with isoleucine.
Molecular consequence: missense variant.
Genome position (GRCh38, 1-based): chr2:32,235,455, C>T on the plus strand (G>A on the coding strand, the complement: NLRC4 is on the minus strand). VCF-style: chr2-32235455-C-T. GRCh37 (hg19) VCF-style: chr2-32460524-C-T.
Other names: p.Val910Ile; c.2728G>A, p.Val910Ile (NM_001199139.2, NM_021209.5); c.733G>A, p.Val245Ile (NM_001302504.2); short protein forms V910I, V245I.
Identifiers: ClinVar variation 640786 (VCV000640786.14), dbSNP rs144418059, ClinGen allele CA1601718.
Genomic context (GRCh38, chr2:32,235,455, plus strand): 5'-ACCTACCTAAAATTCTAATCTCTGTATCTGTGAGTCTCCAGTTTTTCAACCCAAGCTTGA[C>T]GAGTTGTGGGACCTCCTCCAAATGTTTCAACAGGCTGCTCAGGCTGCCTTGCACGTCACA-3'
Protein context (NP_001186067.1, residues 900-920): LKHLEEVPQL[Val910Ile]KLGLKNWRLT

ClinVar aggregate classification (germline): Conflicting classifications of pathogenicity. Review status: criteria provided, conflicting classifications (1 of 4 stars). 5 submissions from 5 submitters: Uncertain significance (4); Likely benign (1). Last evaluated 2025-04-21.

Conditions:
Periodic fever-infantile enterocolitis-autoinflammatory syndrome. Also called: Autoinflammation with infantile enterocolitis. Identifiers: Orphanet 436166, MedGen C4015067, MONDO:0014472, OMIM 616050.
Familial cold autoinflammatory syndrome 4 (FCAS4). Identifiers: Orphanet 47045, Orphanet 576349, MedGen C4015276, MONDO:0014498, OMIM 616115.

Allele frequency attached by ClinVar (database versions not stated): ExAC 0.00002; gnomAD 0.00003; TOPMed 0.00006; ESP Exome Variant Server 0.00008.
gnomAD v4.1: 70 of 1,613,972 alleles (0.0043%); highest among the groups gnomAD compares: Middle Eastern, 0.049%; no homozygotes.

Submissions (5):

Women's Health and Genetics/Laboratory Corporation of America, LabCorp
Classification: Uncertain significance. Last evaluated: 2025-04-21. Review status: criteria provided, single submitter. Criteria: LabCorp Variant Classification Summary - May 2015. Collection method: clinical testing. Allele origin: germline.
Comment: Variant summary: NLRC4 c.2728G>A (p.Val910Ile) results in a conservative amino acid change in the encoded protein sequence. Three of three in-silico tools predict a benign effect of the variant on protein function. The variant allele was found at a frequency of 3.6e-05 in 251378 control chromosomes. The available data on variant occurrences in the general population are insufficient to allow any conclusion about variant significance. To our knowledge, no occurrence of c.2728G>A in individuals affected with Periodic fever-infantile enterocolitis-autoinflammatory syndrome and no experimental evidence demonstrating its impact on protein function have been reported. ClinVar contains an entry for this variant (Variation ID: 640786). Based on the evidence outlined above, the variant was classified as uncertain significance.

Labcorp Genetics (formerly Invitae), Labcorp
Classification: Uncertain significance for Periodic fever-infantile enterocolitis-autoinflammatory syndrome; Familial cold autoinflammatory syndrome 4. Last evaluated: 2025-04-14. Review status: criteria provided, single submitter. Criteria: Invitae Variant Classification Sherloc (09022015). Collection method: clinical testing. Allele origin: germline.
Comment: This sequence change replaces valine, which is neutral and non-polar, with isoleucine, which is neutral and non-polar, at codon 910 of the NLRC4 protein (p.Val910Ile). This variant is present in population databases (rs144418059, gnomAD 0.006%). This variant has not been reported in the literature in individuals affected with NLRC4-related conditions. ClinVar contains an entry for this variant (Variation ID: 640786). Invitae Evidence Modeling of protein sequence and biophysical properties (such as structural, functional, and spatial information, amino acid conservation, physicochemical variation, residue mobility, and thermodynamic stability) indicates that this missense variant is not expected to disrupt NLRC4 protein function with a negative predictive value of 80%. In summary, the available evidence is currently insufficient to determine the role of this variant in disease. Therefore, it has been classified as a Variant of Uncertain Significance.

Mayo Clinic Laboratories, Mayo Clinic
Classification: Uncertain significance. Last evaluated: 2025-01-22. Review status: criteria provided, single submitter. Criteria: ACMG Guidelines, 2015. Collection method: clinical testing. Allele origin: germline. Observed: 1 variant allele.
Comment: BP4

Blueprint Genetics
Classification: Likely benign. Last evaluated: 2024-11-25. Review status: criteria provided, single submitter. Criteria: ACMG Guidelines, 2015. Collection method: clinical testing. Allele origin: germline.

Foundation for Research in Genetics and Endocrinology, FRIGE's Institute of Human Genetics
Classification: Uncertain significance for Familial cold autoinflammatory syndrome 4. Last evaluated: 2022-12-01. Review status: criteria provided, single submitter. Criteria: ACMG Guidelines, 2015. Collection method: clinical testing. Allele origin: germline. Inheritance: Autosomal dominant inheritance. Affected: yes. Observed: 1 heterozygote.
Comment: A heterozygous missense variation in exon 8 of the NLRC4 gene that results in the amino acid substitution of Isoleucine for Valine at codon 910 (p.Val910Ile) was detected. This variant has not been reported in the gnomAD and 1000 genomes databases.The reference codon is conserved across species. In summary, the variant meets our criteria to be classified as pathogenic. In summary, the variant meets our criteria to be classified as a variant of uncertain significance.